The following is an entry in ClinVar:

ClinVar aggregate classification (germline): Uncertain significance (1 of 4 stars; one submission).

Submission:

Dasa
Classification: Uncertain significance. Last evaluated: 2025-10-08. Review status: criteria provided, single submitter. Criteria: DASA Assertion Criteria. Collection method: clinical testing. Allele origin: germline.
Comment: NM_023067.4(FOXL2):c.559G>C (p.Gly187Arg) is a missense variant that results in the substitution of glycine with arginine. This variant is absent from population databases. The currently available literature and clinical evidence are not sufficient to establish a definitive association between this variant and the reported condition. Therefore, this variant is classified as a variant of uncertain significance.

NM_023067.4(FOXL2):c.559G>C (p.Gly187Arg)

Gene: FOXL2 (forkhead box L2; minus strand). Cytogenetic location: 3q22.3.
Variant type: single nucleotide variant.
Coding change: c.559G>C on transcript NM_023067.4 (MANE Select); coding-DNA position 559, G replaced by C.
Protein change: p.Gly187Arg; replaces glycine 187 with arginine.
Molecular consequence: missense variant.
Genome position (GRCh38, 1-based): chr3:138,946,164, C>G on the plus strand (G>C on the coding strand, the complement: FOXL2 is on the minus strand). VCF-style: chr3-138946164-C-G. GRCh37 (hg19) VCF-style: chr3-138665006-C-G.
Other names: short protein forms G187R.
Identifiers: ClinVar variation 4882215 (VCV004882215.2).